The following is an entry in ClinVar:

ClinVar aggregate classification (germline): Uncertain significance (1 of 4 stars; one submission).

Submission:

GeneDx
Classification: Uncertain significance. Last evaluated: 2020-06-23. Review status: criteria provided, single submitter. Criteria: GeneDx Variant Classification Process June 2021. Collection method: clinical testing. Allele origin: germline. Affected: yes.
Comment: Not observed in large population cohorts (Lek et al., 2016); Frameshift variant predicted to result in protein truncation or nonsense mediated decay in a gene for which loss-of-function is not a known mechanism of disease; Has not been previously published as pathogenic or benign to our knowledge

NM_001127208.3(TET2):c.2216_2264dup (p.Glu755delinsAspSerLysProAlaThrAlaAlaLysIleThrAsnLysGluTer)

Genes: TET2 (tet methylcytosine dioxygenase 2; plus strand), TET2-AS1 (TET2 antisense RNA 1; minus strand). Cytogenetic location: 4q24.
Variant type: Duplication.
Coding change: c.2216_2264dup on transcript NM_001127208.3 (MANE Select); coding-DNA positions 2216 to 2264, 49 bases duplicated.
Protein change: p.Glu755delinsAspSerLysProAlaThrAlaAlaLysIleThrAsnLysGluTer.
Molecular consequence: nonsense.
Genome position (GRCh38, 1-based): chr4:105,236,158-105,236,206, 49 bases duplicated. GRCh37 (hg19): chr4:106,157,315-106,157,363.
Other names: c.2216_2264dup, p.Glu755delinsAspSerLysProAlaThrAlaAlaLysIleThrAsnLysGluTer (NM_017628.4).
Identifiers: ClinVar variation 1318869 (VCV001318869.2), dbSNP rs2110232351, ClinGen allele CA2573052275.